The following is an entry in ClinVar:

NM_005045.4(RELN):c.9802T>C (p.Tyr3268His)

Genes: RELN (reelin; minus strand), SLC26A5-AS1 (SLC26A5 antisense RNA 1; plus strand). Cytogenetic location: 7q22.1.
Variant type: single nucleotide variant.
Coding change: c.9802T>C on transcript NM_005045.4 (MANE Select); coding-DNA position 9802, T replaced by C.
Protein change: p.Tyr3268His; replaces tyrosine 3268 with histidine.
Molecular consequence: missense variant.
Genome position (GRCh38, 1-based): chr7:103,486,378, A>G on the plus strand (T>C on the coding strand, the complement: RELN is on the minus strand). VCF-style: chr7-103486378-A-G. GRCh37 (hg19) VCF-style: chr7-103126825-A-G.
Other names: c.9802T>C, p.Tyr3268His (NM_173054.3); short protein forms Y3268H.
Identifiers: ClinVar variation 2921953 (VCV002921953.3), dbSNP rs2485699407, ClinGen allele CA368742139.
Genomic context (GRCh38, chr7:103,486,378, plus strand): 5'-CTTGAATGGTCTCCCAGTTTGCCTCGGTGACTCTTGCGGACTCAAAATTATCTTTAATAT[A>G]ACTGGGAAGGTCGTGACTGAAAACAGAGCAGTCATCACCTAGAGGACAAGGAGCAGTCAC-3'
Protein context (NP_005036.2, residues 3258-3278): CSVFSHDLPS[Tyr3268His]IKDNFESARV

ClinVar aggregate classification (germline): Uncertain significance (1 of 4 stars; one submission).

Conditions:
Norman-Roberts syndrome (LIS2). Also called: Lissencephaly 2 (Norman-Roberts type). Identifiers: Orphanet 89844, MedGen C0796089, MONDO:0009760, OMIM 257320.
Familial temporal lobe epilepsy 7. Identifiers: Orphanet 101046, MedGen C4225327, MONDO:0014639, OMIM 616436.

Allele frequency attached by ClinVar (database versions not stated): gnomAD exomes below 0.00001.
gnomAD v4.1: 8 of 1,614,186 alleles (0.0005%); highest among the groups gnomAD compares: Non-Finnish European, 0.00059%; no homozygotes.

Submission:

Labcorp Genetics (formerly Invitae), Labcorp
Classification: Uncertain significance for Familial temporal lobe epilepsy 7; Norman-Roberts syndrome. Last evaluated: 2024-01-10. Review status: criteria provided, single submitter. Criteria: Invitae Variant Classification Sherloc (09022015). Collection method: clinical testing. Allele origin: germline.
Comment: This sequence change replaces tyrosine, which is neutral and polar, with histidine, which is basic and polar, at codon 3268 of the RELN protein (p.Tyr3268His). This variant is not present in population databases (gnomAD no frequency). This variant has not been reported in the literature in individuals affected with RELN-related conditions. Advanced modeling of protein sequence and biophysical properties (such as structural, functional, and spatial information, amino acid conservation, physicochemical variation, residue mobility, and thermodynamic stability) performed at Invitae indicates that this missense variant is not expected to disrupt RELN protein function with a negative predictive value of 80%. In summary, the available evidence is currently insufficient to determine the role of this variant in disease. Therefore, it has been classified as a Variant of Uncertain Significance.